The following is an entry in ClinVar:

NM_005732.4(RAD50):c.1304A>G (p.Lys435Arg)

Gene: RAD50 (RAD50 double strand break repair protein; plus strand). Cytogenetic location: 5q31.1.
Variant type: single nucleotide variant.
Coding change: c.1304A>G on transcript NM_005732.4 (MANE Select); coding-DNA position 1304, A replaced by G.
Protein change: p.Lys435Arg; replaces lysine 435 with arginine.
Molecular consequence: missense variant.
Genome position (GRCh38, 1-based): chr5:132,589,689, A>G. VCF-style: chr5-132589689-A-G. GRCh37 (hg19) VCF-style: chr5-131925381-A-G.
Other names: short protein forms K435R.
Identifiers: ClinVar variation 818856 (VCV000818856.4), dbSNP rs1580993420, ClinGen allele CA360943741.
Genomic context (GRCh38, chr5:132,589,689, plus strand): 5'-AGAATGACTTTGCAGAAAAAGAGACTCTGAAACAAAAACAGATAGATGAGATAAGAGATA[A>G]GAAAACTGGACTGGGAAGAATAATTGAGTTAAAATCAGAAATCCTAAGTAAGAAGCAGAA-3'
Protein context (NP_005723.2, residues 425-445): KQKQIDEIRD[Lys435Arg]KTGLGRIIEL

ClinVar aggregate classification (germline): Uncertain significance (1 of 4 stars; one submission).

Conditions:
Hereditary cancer-predisposing syndrome. Also called: Tumor predisposition; Hereditary neoplastic syndrome; Neoplastic Syndromes, Hereditary; Hereditary Cancer Syndrome. Identifiers: Orphanet 140162, MedGen C0027672, MeSH D009386, MONDO:0015356.

Submission:

Ambry Genetics
Classification: Uncertain significance for Hereditary cancer-predisposing syndrome. Last evaluated: 2019-03-06. Review status: criteria provided, single submitter. Criteria: Ambry Variant Classification Scheme 2023. Collection method: clinical testing. Allele origin: germline.
Comment: The p.K435R variant (also known as c.1304A>G), located in coding exon 9 of the RAD50 gene, results from an A to G substitution at nucleotide position 1304. The lysine at codon 435 is replaced by arginine, an amino acid with highly similar properties. This amino acid position is well conserved in available vertebrate species. In addition, this alteration is predicted to be tolerated by in silico analysis. Since supporting evidence is limited at this time, the clinical significance of this alteration remains unclear.